The following is an entry in ClinVar:

ClinVar aggregate classification (germline): Uncertain significance (1 of 4 stars; one submission).

Conditions:
Spastic paraplegia. Identifiers: MedGen C0037772, HP:0001258.

Allele frequency attached by ClinVar (database versions not stated): ExAC 0.00001; gnomAD 0.00001; gnomAD exomes 0.00001 and 0.00002; TOPMed 0.00001.
gnomAD v4.1: 31 of 1,613,282 alleles (0.0019%); highest among the groups gnomAD compares: Non-Finnish European, 0.0026%; no homozygotes.

Submission:

Labcorp Genetics (formerly Invitae), Labcorp
Classification: Uncertain significance for Spastic paraplegia. Last evaluated: 2022-08-15. Review status: criteria provided, single submitter. Criteria: Invitae Variant Classification Sherloc (09022015). Collection method: clinical testing. Allele origin: germline.
Comment: This sequence change replaces leucine, which is neutral and non-polar, with valine, which is neutral and non-polar, at codon 292 of the FA2H protein (p.Leu292Val). This variant is present in population databases (rs772704885, gnomAD 0.002%). This variant has not been reported in the literature in individuals affected with FA2H-related conditions. ClinVar contains an entry for this variant (Variation ID: 1470105). Advanced modeling of protein sequence and biophysical properties (such as structural, functional, and spatial information, amino acid conservation, physicochemical variation, residue mobility, and thermodynamic stability) performed at Invitae indicates that this missense variant is expected to disrupt FA2H protein function. In summary, the available evidence is currently insufficient to determine the role of this variant in disease. Therefore, it has been classified as a Variant of Uncertain Significance.

NM_024306.5(FA2H):c.874C>G (p.Leu292Val)

Gene: FA2H (fatty acid 2-hydroxylase; minus strand). Cytogenetic location: 16q23.1.
Variant type: single nucleotide variant.
Coding change: c.874C>G on transcript NM_024306.5 (MANE Select); coding-DNA position 874, C replaced by G.
Protein change: p.Leu292Val; replaces leucine 292 with valine.
Molecular consequence: missense variant.
Genome position (GRCh38, 1-based): chr16:74,716,512, G>C on the plus strand (C>G on the coding strand, the complement: FA2H is on the minus strand). VCF-style: chr16-74716512-G-C. GRCh37 (hg19) VCF-style: chr16-74750410-G-C.
Other names: short protein forms L292V.
Identifiers: ClinVar variation 1470105 (VCV001470105.5), dbSNP rs772704885, ClinGen allele CA8170359.